The following is an entry in ClinVar:

ClinVar aggregate classification (germline): Uncertain significance (1 of 4 stars; one submission).

Allele frequency attached by ClinVar (database versions not stated): gnomAD exomes below 0.00001; TOPMed below 0.00001; ExAC 0.00002.
gnomAD v4.1: 4 of 1,612,072 alleles (0.00025%); highest among the groups gnomAD compares: Non-Finnish European, 0.00034%; no homozygotes.

Submission:

Labcorp Genetics (formerly Invitae), Labcorp
Classification: Uncertain significance. Last evaluated: 2023-06-23. Review status: criteria provided, single submitter. Criteria: Invitae Variant Classification Sherloc (09022015). Collection method: clinical testing. Allele origin: germline.
Comment: This sequence change replaces isoleucine, which is neutral and non-polar, with valine, which is neutral and non-polar, at codon 41 of the GABRA2 protein (p.Ile41Val). This variant is present in population databases (rs74611721, gnomAD 0.002%). This variant has not been reported in the literature in individuals affected with GABRA2-related conditions. An algorithm developed to predict the effect of missense changes on protein structure and function (PolyPhen-2) suggests that this variant is likely to be tolerated. In summary, the available evidence is currently insufficient to determine the role of this variant in disease. Therefore, it has been classified as a Variant of Uncertain Significance.

NM_000807.4(GABRA2):c.121A>G (p.Ile41Val)

Gene: GABRA2 (gamma-aminobutyric acid type A receptor subunit alpha2; minus strand). Cytogenetic location: 4p12.
Variant type: single nucleotide variant.
Coding change: c.121A>G on transcript NM_000807.4 (MANE Select); coding-DNA position 121, A replaced by G.
Protein change: p.Ile41Val; replaces isoleucine 41 with valine.
Molecular consequence: missense variant. On other transcripts: synonymous variant (4).
Genome position (GRCh38, 1-based): chr4:46,386,140, T>C on the plus strand (A>G on the coding strand, the complement: GABRA2 is on the minus strand). VCF-style: chr4-46386140-T-C. GRCh37 (hg19) VCF-style: chr4-46388157-T-C.
Other names: c.121A>G, p.Ile41Val (NM_001114175.3, NM_001330690.2, NM_001377144.1 and 8 more transcripts); c.24A>G, p.Pro8= (NM_001286827.3, NM_001377152.1, NM_001377153.1 and 1 more transcripts); short protein forms I41V.
Identifiers: ClinVar variation 2875158 (VCV002875158.3), dbSNP rs74611721, ClinGen allele CA2906788.